The following is an entry in ClinVar:

ClinVar aggregate classification (germline): Likely pathogenic (1 of 4 stars; one submission).

Conditions:
Cystinuria (CSNU). Also called: Cystinuria, non-type I; CYSTINURIA, TYPE I; CYSTINURIA, TYPE II; CYSTINURIA, TYPE III. Identifiers: Orphanet 214, MedGen C0010691, MONDO:0009067, OMIM 220100, HP:0003131.

Submission:

Clinical Genetics Laboratory, Skane University Hospital Lund
Classification: Likely pathogenic for Cystinuria. Last evaluated: 2025-08-08. Review status: criteria provided, single submitter. Criteria: ACMG Guidelines, 2015. Collection method: clinical testing. Allele origin: germline. Affected: yes.
Comment: ACMG criteria used: PVS1 and PM2.

NM_014270.5(SLC7A9):c.268_269del (p.Ile90fs)

Gene: SLC7A9 (solute carrier family 7 member 9; minus strand). Cytogenetic location: 19q13.11.
Variant type: Deletion.
Coding change: c.268_269del on transcript NM_014270.5 (MANE Select); coding-DNA positions 268 to 269, 2 bases deleted (AT; older notation c.268_269delAT).
Protein change: p.Ile90fs; shifts the reading frame from isoleucine 90.
Molecular consequence: frameshift variant.
Genome position (GRCh38, 1-based): chr19:32,864,305-32,864,306, AT deleted on the plus strand (AT on the coding strand, the reverse complement: SLC7A9 is on the minus strand). VCF-style (leftmost placement, unchanged base first): chr19-32864304-GAT-G. GRCh37 (hg19) VCF-style: chr19-33355210-GAT-G.
Other names: c.268_269del, p.Ile90fs (NM_001126335.2, NM_001243036.2); short protein forms I90fs.
Identifiers: ClinVar variation 4073554 (VCV004073554.1).
Genomic context (GRCh38, chr19:32,864,304, plus strand): 5'-GTAGGCGGGGATGGGCCCGTAGGCCTCCATCAGGTAGGGATACTCTCCCCCTGACTTGGT[GAT>G]CATTGTGCCAAGCTCCGCAAAGCACAGGGCACCTGGAACACAGAGAGGAAGGGCCCACAG-3'